The following is an entry in ClinVar:

NM_001105206.3(LAMA4):c.4409A>T (p.Tyr1470Phe)

Gene: LAMA4 (laminin subunit alpha 4; minus strand). Cytogenetic location: 6q21.
Variant type: single nucleotide variant.
Coding change: c.4409A>T on transcript NM_001105206.3 (MANE Select); coding-DNA position 4409, A replaced by T.
Protein change: p.Tyr1470Phe; replaces tyrosine 1470 with phenylalanine.
Molecular consequence: missense variant.
Genome position (GRCh38, 1-based): chr6:112,122,080, T>A on the plus strand (A>T on the coding strand, the complement: LAMA4 is on the minus strand). VCF-style: chr6-112122080-T-A. GRCh37 (hg19) VCF-style: chr6-112443283-T-A.
Other names: c.4388A>T, p.Tyr1463Phe (NM_001105207.3, NM_002290.5); short protein forms Y1463F, Y1470F.
Identifiers: ClinVar variation 474179 (VCV000474179.9), dbSNP rs1554326304, ClinGen allele CA365370994.
Genomic context (GRCh38, chr6:112,122,080, plus strand): 5'-CCAAAATCTCCTTTTAAGTGTTCAAACTCTTGGCGGCTGTTGGCTGTTCCTCCATATTGA[T>A]AGGCGTGCTCTATTGCTCTAGGGCTGTTGGAAAGGTGGCAATGAGAGTTTCTTGGAGTAT-3'
Protein context (NP_001098676.2, residues 1460-1480): SNSPRAIEHA[Tyr1470Phe]QYGGTANSRQ

ClinVar aggregate classification (germline): Uncertain significance. Review status: criteria provided, multiple submitters, no conflicts (2 of 4 stars). 2 submissions from 2 submitters: Uncertain significance (2). Last evaluated 2024-05-23.

Conditions:
Cardiovascular phenotype. Identifiers: MedGen CN230736.
Dilated cardiomyopathy 1JJ (CMD1JJ). Identifiers: Orphanet 154, MedGen C3808935, MONDO:0014095, OMIM 615235.

Allele frequency attached by ClinVar (database versions not stated): gnomAD 0.00003.
gnomAD v4.1: 3 of 1,614,026 alleles (0.00019%); highest among the groups gnomAD compares: Non-Finnish European, 0.00025%; no homozygotes.

Submissions (2):

Ambry Genetics
Classification: Uncertain significance for Cardiovascular phenotype. Last evaluated: 2024-05-23. Review status: criteria provided, single submitter. Criteria: Ambry Variant Classification Scheme 2023. Collection method: clinical testing. Allele origin: germline.
Comment: The p.Y1463F variant (also known as c.4388A>T), located in coding exon 31 of the LAMA4 gene, results from an A to T substitution at nucleotide position 4388. The tyrosine at codon 1463 is replaced by phenylalanine, an amino acid with highly similar properties. This amino acid position is well conserved in available vertebrate species; however, phenylalanine is the reference amino acid in other vertebrate species. In addition, this alteration is predicted to be tolerated by in silico analysis. Since supporting evidence is limited at this time, the clinical significance of this alteration remains unclear.

Labcorp Genetics (formerly Invitae), Labcorp
Classification: Uncertain significance for Dilated cardiomyopathy 1JJ. Last evaluated: 2021-09-04. Review status: criteria provided, single submitter. Criteria: Invitae Variant Classification Sherloc (09022015). Collection method: clinical testing. Allele origin: germline.
Comment: This sequence change replaces tyrosine with phenylalanine at codon 1463 of the LAMA4 protein (p.Tyr1463Phe). The tyrosine residue is highly conserved and there is a small physicochemical difference between tyrosine and phenylalanine. This variant is not present in population databases (ExAC no frequency). This variant has not been reported in the literature in individuals affected with LAMA4-related conditions. Algorithms developed to predict the effect of missense changes on protein structure and function are either unavailable or do not agree on the potential impact of this missense change (SIFT: "Deleterious"; PolyPhen-2: "Benign"; Align-GVGD: "Class C0"). In summary, the available evidence is currently insufficient to determine the role of this variant in disease. Therefore, it has been classified as a Variant of Uncertain Significance.